The following is an entry in ClinVar:

ClinVar aggregate classification (germline): Uncertain significance. Review status: criteria provided, single submitter (1 of 4 stars). 2 submissions from 2 submitters: Uncertain significance (1). 1 of the submissions does not count toward it. Last evaluated 2024-07-12.

Allele frequency attached by ClinVar (database versions not stated): gnomAD exomes 0.00002 and 0.00003; ExAC 0.00003; gnomAD 0.00003 and 0.00004; TOPMed 0.00003; ESP Exome Variant Server 0.00008.
gnomAD v4.1: 39 of 1,613,814 alleles (0.0024%); highest among the groups gnomAD compares: African/African-American, 0.0067%; no homozygotes.

Submissions (2):

Women's Health and Genetics/Laboratory Corporation of America, LabCorp
Classification: Uncertain significance. Last evaluated: 2024-07-12. Review status: criteria provided, single submitter. Criteria: LabCorp Variant Classification Summary - May 2015. Collection method: clinical testing. Allele origin: germline.
Comment: Variant summary: TENM4 c.6068C>T (p.Thr2023Met) results in a non-conservative amino acid change in the encoded protein sequence. Four of five in-silico tools predict a benign effect of the variant on protein function. The variant allele was found at a frequency of 2.8e-05 in 249174 control chromosomes. The available data on variant occurrences in the general population are insufficient to allow any conclusion about variant significance. To our knowledge, no occurrence of c.6068C>T in individuals affected with Tremor, Hereditary Essential, 5 and no experimental evidence demonstrating its impact on protein function have been reported. ClinVar contains an entry for this variant (Variation ID: 1048874). Based on the evidence outlined above, the variant was classified as uncertain significance.

Department of Pathology and Laboratory Medicine, Sinai Health System
Classification: Uncertain significance. Review status: no assertion criteria provided. Collection method: clinical testing. Allele origin: unknown. Affected: yes. Study: The Canadian Open Genetics Repository (COGR). Not counted in ClinVar's aggregate classification.
Comment: The TENM4 p.Thr2023Met variant was not identified in the literature nor was it identified in ClinVar. The variant was identified in dbSNP (ID: rs370572793) and in control databases in 7 of 249174 chromosomes at a frequency of 0.00002809 (Genome Aggregation Database March 6, 2019, v2.1.1). The variant was observed in the following populations: South Asian in 2 of 30580 chromosomes (freq: 0.000065), African in 1 of 15474 chromosomes (freq: 0.000065), East Asian in 1 of 17974 chromosomes (freq: 0.000056) and European (non-Finnish) in 3 of 112978 chromosomes (freq: 0.000027), but was not observed in the Latino, Ashkenazi Jewish, European (Finnish), or Other populations. The p.Thr2023 residue is not conserved in mammals and computational analyses (PolyPhen-2, SIFT, AlignGVGD, BLOSUM, MutationTaster) do not suggest a high likelihood of impact to the protein; however, this information is not predictive enough to rule out pathogenicity. The variant occurs outside of the splicing consensus sequence and in silico or computational prediction software programs (SpliceSiteFinder, MaxEntScan, NNSPLICE, GeneSplicer) do not predict a difference in splicing. In summary, based on the above information the clinical significance of this variant cannot be determined with certainty at this time. This variant is classified as a variant of uncertain significance.

NM_001098816.3(TENM4):c.6068C>T (p.Thr2023Met)

Gene: TENM4 (teneurin transmembrane protein 4; minus strand). Cytogenetic location: 11q14.1.
Variant type: single nucleotide variant.
Coding change: c.6068C>T on transcript NM_001098816.3 (MANE Select); coding-DNA position 6068, C replaced by T.
Protein change: p.Thr2023Met; replaces threonine 2023 with methionine.
Molecular consequence: missense variant.
Genome position (GRCh38, 1-based): chr11:78,670,277, G>A on the plus strand (C>T on the coding strand, the complement: TENM4 is on the minus strand). VCF-style: chr11-78670277-G-A. GRCh37 (hg19) VCF-style: chr11-78381322-G-A.
Other names: short protein forms T2023M.
Identifiers: ClinVar variation 1048874 (VCV001048874.2), dbSNP rs370572793, ClinGen allele CA6206481.